The following is an entry in ClinVar:

ClinVar aggregate classification (germline): Uncertain significance (1 of 4 stars; one submission).

Conditions:
Granulomatous disease, chronic, autosomal recessive, cytochrome b-positive, type 3. Also called: Granulomatous disease, chronic, autosomal recessive, cytochrome b-positive, type III; GRANULOMATOUS DISEASE, CHRONIC, AUTOSOMAL RECESSIVE, 3; CGD, AUTOSOMAL RECESSIVE CYTOCHROME b-POSITIVE, TYPE III; GRANULOMATOUS DISEASE, CHRONIC, DUE TO NCF4 DEFICIENCY. Identifiers: Orphanet 379, MedGen C3151409, MONDO:0013507, OMIM 613960.

gnomAD v4.1: 17 of 1,613,200 alleles (0.0011%); highest among the groups gnomAD compares: Non-Finnish European, 0.0013%; no homozygotes.

Submission:

Labcorp Genetics (formerly Invitae), Labcorp
Classification: Uncertain significance for Granulomatous disease, chronic, autosomal recessive, cytochrome b-positive, type 3. Last evaluated: 2024-07-22. Review status: criteria provided, single submitter. Criteria: Invitae Variant Classification Sherloc (09022015). Collection method: clinical testing. Allele origin: germline.
Comment: This sequence change replaces arginine, which is basic and polar, with tryptophan, which is neutral and slightly polar, at codon 149 of the NCF4 protein (p.Arg149Trp). The frequency data for this variant in the population databases is considered unreliable, as metrics indicate poor data quality at this position in the gnomAD database. This variant has not been reported in the literature in individuals affected with NCF4-related conditions. An algorithm developed to predict the effect of missense changes on protein structure and function (PolyPhen-2) suggests that this variant is likely to be disruptive. In summary, the available evidence is currently insufficient to determine the role of this variant in disease. Therefore, it has been classified as a Variant of Uncertain Significance.

NM_000631.5(NCF4):c.445C>T (p.Arg149Trp)

Gene: NCF4 (neutrophil cytosolic factor 4; plus strand). Cytogenetic location: 22q12.3.
Variant type: single nucleotide variant.
Coding change: c.445C>T on transcript NM_000631.5 (MANE Select); coding-DNA position 445, C replaced by T.
Protein change: p.Arg149Trp; replaces arginine 149 with tryptophan.
Molecular consequence: missense variant.
Genome position (GRCh38, 1-based): chr22:36,870,517, C>T. VCF-style: chr22-36870517-C-T. GRCh37 (hg19) VCF-style: chr22-37266559-C-T.
Other names: c.445C>T, p.Arg149Trp (NM_013416.4); short protein forms R149W.
Identifiers: ClinVar variation 3709783 (VCV003709783.1).
Genomic context (GRCh38, chr22:36,870,517, plus strand): 5'-GTCCGGATCTTCTTTTACCAGTCGCCCTATGACTCAGAGCAGGTGCCCCAGGCACTCCGC[C>T]GGCTCCGCCCGCGCACCCGGAAAGTGTAAGTGACCAGCCCCTGGGCTTCCACATGGCCAG-3'
Protein context (NP_000622.2, residues 139-159): DSEQVPQALR[Arg149Trp]LRPRTRKVKS